The following is an entry in ClinVar:

NM_006904.7(PRKDC):c.2081C>T (p.Ser694Phe)

Gene: PRKDC (protein kinase, DNA-activated, catalytic subunit; minus strand). Cytogenetic location: 8q11.21.
Variant type: single nucleotide variant.
Coding change: c.2081C>T on transcript NM_006904.7 (MANE Select); coding-DNA position 2081, C replaced by T.
Protein change: p.Ser694Phe; replaces serine 694 with phenylalanine.
Molecular consequence: missense variant.
Genome position (GRCh38, 1-based): chr8:47,929,150, G>A on the plus strand (C>T on the coding strand, the complement: PRKDC is on the minus strand). VCF-style: chr8-47929150-G-A. GRCh37 (hg19) VCF-style: chr8-48841710-G-A.
Other names: c.2081C>T, p.Ser694Phe (NM_001081640.2); short protein forms S694F.
Identifiers: ClinVar variation 1037305 (VCV001037305.8), dbSNP rs2090207455, ClinGen allele CA371163872.

ClinVar aggregate classification (germline): Uncertain significance. Review status: criteria provided, multiple submitters, no conflicts (2 of 4 stars). 2 submissions from 2 submitters: Uncertain significance (2). Last evaluated 2022-07-05.

Conditions:
Severe combined immunodeficiency due to DNA-PKcs deficiency. Also called: Immunodeficiency 26 with or without neurologic abnormalities; IMMUNODEFICIENCY 26 WITH NEUROLOGIC ABNORMALITIES. Identifiers: Orphanet 317425, MedGen C4014833, MONDO:0014423, OMIM 615966.

Allele frequency attached by ClinVar (database versions not stated): gnomAD 0.00001; TOPMed below 0.00001.
gnomAD v4.1: 1 of 1,578,364 alleles (0.000063%); no homozygotes.

Submissions (2):

Labcorp Genetics (formerly Invitae), Labcorp
Classification: Uncertain significance for Severe combined immunodeficiency due to DNA-PKcs deficiency. Last evaluated: 2022-07-05. Review status: criteria provided, single submitter. Criteria: Invitae Variant Classification Sherloc (09022015). Collection method: clinical testing. Allele origin: germline.
Comment: In summary, the available evidence is currently insufficient to determine the role of this variant in disease. Therefore, it has been classified as a Variant of Uncertain Significance. Experimental studies and prediction algorithms are not available or were not evaluated, and the functional significance of this variant is currently unknown. ClinVar contains an entry for this variant (Variation ID: 1037305). This variant has not been reported in the literature in individuals affected with PRKDC-related conditions. This variant is not present in population databases (gnomAD no frequency). This sequence change replaces serine, which is neutral and polar, with phenylalanine, which is neutral and non-polar, at codon 694 of the PRKDC protein (p.Ser694Phe).

Ambry Genetics
Classification: Uncertain significance. Last evaluated: 2021-09-07. Review status: criteria provided, single submitter. Criteria: Ambry Variant Classification Scheme 2023. Collection method: clinical testing. Allele origin: germline.
Comment: The p.S694F variant (also known as c.2081C>T), located in coding exon 19 of the PRKDC gene, results from a C to T substitution at nucleotide position 2081. The serine at codon 694 is replaced by phenylalanine, an amino acid with highly dissimilar properties. This amino acid position is conserved. In addition, this alteration is predicted to be tolerated by in silico analysis. Since supporting evidence is limited at this time, the clinical significance of this alteration remains unclear.